The following is an entry in ClinVar:

ClinVar aggregate classification (germline): Conflicting classifications of pathogenicity. Review status: criteria provided, conflicting classifications (1 of 4 stars). 3 submissions from 3 submitters: Likely pathogenic (2); Uncertain significance (1). Last evaluated 2025-10-08.

Conditions:
Rhabdomyosarcoma, embryonal, 2 (RMSE2). Identifiers: MedGen C1867234, MONDO:0859046, OMIM 180295.
Pleuropulmonary blastoma (PPB). Identifiers: Orphanet 64742, MedGen C1266144, MONDO:0011014, OMIM 601200, HP:0100528.
Global developmental delay - lung cysts - overgrowth - Wilms tumor syndrome. Also called: GLOW Syndrome; GLOBAL DEVELOPMENTAL DELAY, LUNG CYSTS, OVERGROWTH, AND WILMS TUMOR. Identifiers: Orphanet 404476, MedGen C4748924, MONDO:0018445, OMIM 618272.
Euthyroid goiter (MNG1). Also called: GOITER, NONTOXIC, WITH INTRATHYROIDAL CALCIFICATION; MULTINODULAR GOITER, ADOLESCENT; SIMPLE GOITER; Goiter, multinodular 1, with or without Sertoli-Leydig cell tumors. Identifiers: Orphanet 276399, MedGen C0302859, MONDO:0007681, OMIM 138800, HP:0009798.
DICER1-related tumor predisposition. Also called: DICER1-related pleuropulmonary blastoma cancer predisposition syndrome; DICER1 syndrome. Identifiers: Orphanet 284343, MedGen C3839822, MONDO:0100216.
Hereditary cancer-predisposing syndrome. Also called: Tumor predisposition; Hereditary neoplastic syndrome; Neoplastic Syndromes, Hereditary; Hereditary Cancer Syndrome. Identifiers: Orphanet 140162, MedGen C0027672, MeSH D009386, MONDO:0015356.

Allele frequency attached by ClinVar (database versions not stated): TOPMed below 0.00001.

Submissions (3):

Ambry Genetics
Classification: Uncertain significance for Hereditary cancer-predisposing syndrome. Last evaluated: 2025-10-08. Review status: criteria provided, single submitter. Criteria: Ambry Variant Classification Scheme 2023. Collection method: clinical testing. Allele origin: germline.
Comment: The c.5364+1187T>G intronic variant results from a T to G substitution 1187 nucleotides after coding exon 23 in the DICER1 gene. This variant was reported in an individual with features consistent with DICER1-related tumor predisposition syndrome (Verrier F et al. Pediatr Blood Cancer, 2018 Jun;65:e27005). This nucleotide position is not well conserved in available vertebrate species. In silico splice site analysis predicts that this alteration will result in the creation or strengthening of a novel splice acceptor site. RNA studies have demonstrated that this alteration results in abnormal splicing (Verrier F et al. Pediatr Blood Cancer, 2018 Jun;65:e27005). Based on the available evidence, the clinical significance of this alteration remains unclear.

Foulkes Cancer Genetics LDI, Lady Davis Institute for Medical Research
Classification: Likely pathogenic for Pleuropulmonary blastoma. Last evaluated: 2019-07-01. Review status: criteria provided, single submitter. Criteria: ACMG Guidelines, 2015. Collection method: curation. Allele origin: germline. Affected: yes. Observed: 2 variant alleles.
Comment: ACMG criteria met: PS3, PP1, PP4,

Department of Pathology and Laboratory Medicine, Sinai Health System
Classification: Likely pathogenic for Euthyroid goiter; Rhabdomyosarcoma, embryonal, 2; Pleuropulmonary blastoma; Global developmental delay - lung cysts - overgrowth - Wilms tumor syndrome. Review status: criteria provided, single submitter. Criteria: ACMG Guidelines, 2015. Collection method: clinical testing. Allele origin: germline.

Literature cited by the submitters: PubMed 29469200 (cited by Ambry Genetics and Foulkes Cancer Genetics LDI, Lady Davis Institute for Medical Research).

NM_177438.3(DICER1):c.5364+1187T>G

Gene: DICER1 (dicer 1, ribonuclease III; minus strand). Cytogenetic location: 14q32.13.
Variant type: single nucleotide variant.
Coding change: c.5364+1187T>G on transcript NM_177438.3 (MANE Select); 1187 bases into the intron after coding-DNA position 5364, T replaced by G.
Molecular consequence: intron variant.
Genome position (GRCh38, 1-based): chr14:95,092,701, A>C on the plus strand (T>G on the coding strand, the complement: DICER1 is on the minus strand). VCF-style: chr14-95092701-A-C. GRCh37 (hg19) VCF-style: chr14-95559038-A-C.
Other names: c.5364+1187T>G (NM_001291628.2, NM_030621.4, NM_001271282.3 and 1 more transcripts).
Identifiers: ClinVar variation 933041 (VCV000933041.5), dbSNP rs1889954831, ClinGen allele CA1139663688.